The following is an entry in ClinVar:

NM_004329.3(BMPR1A):c.1186G>C (p.Val396Leu)

Gene: BMPR1A (bone morphogenetic protein receptor type 1A; plus strand). Cytogenetic location: 10q23.2.
Variant type: single nucleotide variant.
Coding change: c.1186G>C on transcript NM_004329.3 (MANE Select); coding-DNA position 1186, G replaced by C.
Protein change: p.Val396Leu; replaces valine 396 with leucine.
Molecular consequence: missense variant. On other transcripts: non-coding transcript variant (3).
Genome position (GRCh38, 1-based): chr10:86,921,539, G>C. VCF-style: chr10-86921539-G-C. GRCh37 (hg19) VCF-style: chr10-88681296-G-C.
Other names: c.1186G>C, p.Val396Leu (NM_001406579.1, NM_001406580.1, NM_001406581.1 and 19 more transcripts); c.1261G>C, p.Val421Leu (NM_001406559.1); c.1234G>C, p.Val412Leu (NM_001406560.1); c.1180G>C, p.Val394Leu (NM_001406583.1); c.1102G>C, p.Val368Leu (NM_001406584.1, NM_001406585.1, NM_001406586.1 and 2 more transcripts); c.844G>C, p.Val282Leu (NM_001406589.1); short protein forms V282L, V368L, V412L, V421L, V396L, V394L.
Identifiers: ClinVar variation 4748897 (VCV004748897.1).

ClinVar aggregate classification (germline): Uncertain significance (1 of 4 stars; one submission).

Conditions:
Juvenile polyposis syndrome (JPS). Identifiers: Orphanet 2929, MedGen C0345893, MONDO:0017380, OMIM 174900.

Submission:

Labcorp Genetics (formerly Invitae), Labcorp
Classification: Uncertain significance for Juvenile polyposis syndrome. Last evaluated: 2025-12-29. Review status: criteria provided, single submitter. Criteria: Invitae Variant Classification Sherloc (09022015). Collection method: clinical testing. Allele origin: germline.
Comment: This sequence change replaces valine, which is neutral and non-polar, with leucine, which is neutral and non-polar, at codon 396 of the BMPR1A protein (p.Val396Leu). This variant is not present in population databases (gnomAD no frequency). This variant has not been reported in the literature in individuals affected with BMPR1A-related conditions. Invitae Evidence Modeling of protein sequence and biophysical properties (such as structural, functional, and spatial information, amino acid conservation, physicochemical variation, residue mobility, and thermodynamic stability) indicates that this missense variant is not expected to disrupt BMPR1A protein function with a negative predictive value of 80%. In summary, the available evidence is currently insufficient to determine the role of this variant in disease. Therefore, it has been classified as a Variant of Uncertain Significance.